The following is an entry in ClinVar:

ClinVar aggregate classification (germline): Uncertain significance. Review status: criteria provided, multiple submitters, no conflicts (2 of 4 stars). 3 submissions from 3 submitters: Uncertain significance (3). Last evaluated 2025-06-10.

Conditions:
Inborn genetic diseases. Identifiers: MedGen C0950123, MeSH D030342.

Allele frequency attached by ClinVar (database versions not stated): ExAC 0.00001; gnomAD exomes 0.00001 and 0.00003; TOPMed 0.00003.
gnomAD v4.1: 50 of 1,604,444 alleles (0.0031%); highest among the groups gnomAD compares: Non-Finnish European, 0.004%; no homozygotes.

Submissions (3):

Ambry Genetics
Classification: Uncertain significance for Inborn genetic diseases. Last evaluated: 2025-06-10. Review status: criteria provided, single submitter. Criteria: Ambry Variant Classification Scheme 2023. Collection method: clinical testing. Allele origin: germline.

Labcorp Genetics (formerly Invitae), Labcorp
Classification: Uncertain significance. Last evaluated: 2023-07-28. Review status: criteria provided, single submitter. Criteria: Invitae Variant Classification Sherloc (09022015). Collection method: clinical testing. Allele origin: germline.
Comment: In summary, the available evidence is currently insufficient to determine the role of this variant in disease. Therefore, it has been classified as a Variant of Uncertain Significance. Advanced modeling of protein sequence and biophysical properties (such as structural, functional, and spatial information, amino acid conservation, physicochemical variation, residue mobility, and thermodynamic stability) performed at Invitae indicates that this missense variant is not expected to disrupt ITPR1 protein function. ClinVar contains an entry for this variant (Variation ID: 1017653). This variant has not been reported in the literature in individuals affected with ITPR1-related conditions. This variant is present in population databases (rs778051422, gnomAD 0.0009%). This sequence change replaces alanine, which is neutral and non-polar, with threonine, which is neutral and polar, at codon 801 of the ITPR1 protein (p.Ala801Thr).

GeneDx
Classification: Uncertain significance. Last evaluated: 2021-12-01. Review status: criteria provided, single submitter. Criteria: GeneDx Variant Classification Process June 2021. Collection method: clinical testing. Allele origin: germline. Affected: yes.
Comment: Has not been previously published as pathogenic or benign to our knowledge; In silico analysis supports that this missense variant does not alter protein structure/function

NM_001378452.1(ITPR1):c.2446G>A (p.Ala816Thr)

Gene: ITPR1 (inositol 1,4,5-trisphosphate receptor type 1; plus strand). Cytogenetic location: 3p26.1.
Variant type: single nucleotide variant.
Coding change: c.2446G>A on transcript NM_001378452.1 (MANE Select); coding-DNA position 2446, G replaced by A.
Protein change: p.Ala816Thr; replaces alanine 816 with threonine.
Molecular consequence: missense variant.
Genome position (GRCh38, 1-based): chr3:4,673,377, G>A. VCF-style: chr3-4673377-G-A. GRCh37 (hg19) VCF-style: chr3-4715061-G-A.
Other names: c.2446G>A, p.Ala816Thr (NM_001099952.4); c.2401G>A, p.Ala801Thr (NM_001168272.2, NM_002222.7); short protein forms A801T, A816T.
Identifiers: ClinVar variation 1017653 (VCV001017653.8), dbSNP rs778051422, ClinGen allele CA2231418.